The following is an entry in ClinVar:

ClinVar aggregate classification (germline): Conflicting classifications of pathogenicity. Review status: criteria provided, conflicting classifications (1 of 4 stars). 5 submissions from 5 submitters: Uncertain significance (4); Likely benign (1). Last evaluated 2025-06-23.

Conditions:
Inborn genetic diseases. Identifiers: MedGen C0950123, MeSH D030342.
Hyper-IgE recurrent infection syndrome 3, autosomal recessive. Also called: Autosomal recessive hyper-IgE syndrome due to ZNF341 deficiency; HYPER-IgE SYNDROME 3, AUTOSOMAL RECESSIVE, WITH RECURRENT INFECTIONS. Identifiers: Orphanet 641368, MedGen C4748969, MONDO:0032654, OMIM 618282.

Allele frequency attached by ClinVar (database versions not stated): TOPMed 0.00006.
gnomAD v4.1: 209 of 1,614,122 alleles (0.013%); highest among the groups gnomAD compares: Non-Finnish European, 0.016%; no homozygotes.

Submissions (5):

Ambry Genetics
Classification: Uncertain significance for Inborn genetic diseases. Last evaluated: 2025-06-23. Review status: criteria provided, single submitter. Criteria: Ambry Variant Classification Scheme 2023. Collection method: clinical testing. Allele origin: germline.

Laboratory of Genetics, Children's Clinical University Hospital Latvia
Classification: Likely benign. Last evaluated: 2025-02-16. Review status: criteria provided, single submitter. Criteria: ACMG Guidelines, 2015. Collection method: clinical testing. Allele origin: germline. Affected: yes.

Mayo Clinic Laboratories, Mayo Clinic
Classification: Uncertain significance. Last evaluated: 2025-01-27. Review status: criteria provided, single submitter. Criteria: ACMG Guidelines, 2015. Collection method: clinical testing. Allele origin: germline. Observed: 2 variant alleles.
Comment: BP4_moderate

Blueprint Genetics
Classification: Uncertain significance. Last evaluated: 2024-11-22. Review status: criteria provided, single submitter. Criteria: ACMG Guidelines, 2015. Collection method: clinical testing. Allele origin: germline.

Labcorp Genetics (formerly Invitae), Labcorp
Classification: Uncertain significance for Combined immunodeficiency due to DOCK8 deficiency. Last evaluated: 2023-12-07. Review status: criteria provided, single submitter. Criteria: Invitae Variant Classification Sherloc (09022015). Collection method: clinical testing. Allele origin: germline.
Comment: This sequence change replaces lysine, which is basic and polar, with asparagine, which is neutral and polar, at codon 1204 of the DOCK8 protein (p.Lys1204Asn). This variant is present in population databases (rs758993681, gnomAD 0.03%). This variant has not been reported in the literature in individuals affected with DOCK8-related conditions. ClinVar contains an entry for this variant (Variation ID: 651061). Advanced modeling of protein sequence and biophysical properties (such as structural, functional, and spatial information, amino acid conservation, physicochemical variation, residue mobility, and thermodynamic stability) performed at Invitae indicates that this missense variant is not expected to disrupt DOCK8 protein function with a negative predictive value of 80%. In summary, the available evidence is currently insufficient to determine the role of this variant in disease. Therefore, it has been classified as a Variant of Uncertain Significance.

NM_203447.4(DOCK8):c.3612A>T (p.Lys1204Asn)

Gene: DOCK8 (dedicator of cytokinesis 8; plus strand). Cytogenetic location: 9p24.3.
Variant type: single nucleotide variant.
Coding change: c.3612A>T on transcript NM_203447.4 (MANE Select); coding-DNA position 3612, A replaced by T.
Protein change: p.Lys1204Asn; replaces lysine 1204 with asparagine.
Molecular consequence: missense variant.
Genome position (GRCh38, 1-based): chr9:414,863, A>T. VCF-style: chr9-414863-A-T. GRCh37 (hg19) VCF-style: chr9-414863-A-T.
Other names: c.3312A>T, p.Lys1104Asn (NM_001190458.2); c.3408A>T, p.Lys1136Asn (NM_001193536.2); short protein forms K1204N, K1104N, K1136N.
Identifiers: ClinVar variation 651061 (VCV000651061.16), dbSNP rs758993681, ClinGen allele CA4958761.